The following is an entry in ClinVar:

ClinVar aggregate classification (germline): Uncertain significance (1 of 4 stars; one submission).

Conditions:
Left ventricular noncompaction 8 (LVNC8). Identifiers: Orphanet 154, Orphanet 54260, MedGen C3809288, MONDO:0014152, OMIM 615373.

Submission:

Labcorp Genetics (formerly Invitae), Labcorp
Classification: Uncertain significance for Left ventricular noncompaction 8. Last evaluated: 2019-02-20. Review status: criteria provided, single submitter. Criteria: Invitae Variant Classification Sherloc (09022015). Collection method: clinical testing. Allele origin: germline.
Comment: This variant results in a copy number gain of the genomic region encompassing exons 2-3 of the PRDM16 gene. While the exact position of this variant cannot be determined from this data, sub-genic copy number gains are generally in tandem (PMID: 25640679) and may result in an absent or disrupted protein product. This variant has not been reported in the literature in individuals with PRDM16-related conditions. The current clinical and genetic evidence is not sufficient to establish whether loss-of-function variants in PRDM16 cause disease. In summary, the available evidence is currently insufficient to determine the role of this variant in disease. Therefore, it has been classified as a Variant of Uncertain Significance.

NC_000001.11:g.(?_3186115)_(3244147_?)dup

Gene: PRDM16 (PR/SET domain 16; plus strand). Cytogenetic location: 1p36.32.
Variant type: Duplication.
Identifiers: ClinVar variation 830834 (VCV000830834.1).